The following is an entry in ClinVar:

NM_000083.3(CLCN1):c.350A>G (p.Asp117Gly)

Gene: CLCN1 (chloride voltage-gated channel 1; plus strand). Cytogenetic location: 7q34.
Variant type: single nucleotide variant.
Coding change: c.350A>G on transcript NM_000083.3 (MANE Select); coding-DNA position 350, A replaced by G.
Protein change: p.Asp117Gly; replaces aspartic acid 117 with glycine.
Molecular consequence: missense variant. On other transcripts: non-coding transcript variant (1).
Genome position (GRCh38, 1-based): chr7:143,320,712, A>G. VCF-style: chr7-143320712-A-G. GRCh37 (hg19) VCF-style: chr7-143017805-A-G.
Other names: short protein forms D117G.
Identifiers: ClinVar variation 2925418 (VCV002925418.6), dbSNP rs1224227320, ClinGen allele CA369682126.

ClinVar aggregate classification (germline): Likely pathogenic. Review status: criteria provided, multiple submitters, no conflicts (2 of 4 stars). 3 submissions from 3 submitters: Likely pathogenic (3). Last evaluated 2024-06-19.

Conditions:
Congenital myotonia, autosomal recessive form. Also called: BECKER DISEASE; Becker Generalized Myotonia; myotonia congenita, autosomal recessive. Identifiers: Orphanet 614, MedGen C0751360, MONDO:0009715, OMIM 255700.
Congenital myotonia, autosomal dominant form (THD). Also called: THOMSEN DISEASE; Myotonia congenita autosomal dominant. Identifiers: Orphanet 614, MedGen C2936781, MONDO:0008055, OMIM 160800.

Allele frequency attached by ClinVar (database versions not stated): gnomAD exomes below 0.00001; TOPMed below 0.00001.
gnomAD v4.1: 1 of 1,613,622 alleles (0.000062%); highest among the groups gnomAD compares: East Asian, 0.0022%; no homozygotes.

Submissions (3):

Fulgent Genetics
Classification: Likely pathogenic for Congenital myotonia, autosomal dominant form; Congenital myotonia, autosomal recessive form. Last evaluated: 2024-06-19. Review status: criteria provided, single submitter. Criteria: ACMG Guidelines, 2015. Collection method: clinical testing. Allele origin: germline.

Labcorp Genetics (formerly Invitae), Labcorp
Classification: Likely pathogenic for Congenital myotonia, autosomal recessive form; Congenital myotonia, autosomal dominant form. Last evaluated: 2022-12-22. Review status: criteria provided, single submitter. Criteria: Invitae Variant Classification Sherloc (09022015). Collection method: clinical testing. Allele origin: germline.
Comment: In summary, the currently available evidence indicates that the variant is pathogenic, but additional data are needed to prove that conclusively. Therefore, this variant has been classified as Likely Pathogenic. Advanced modeling of protein sequence and biophysical properties (such as structural, functional, and spatial information, amino acid conservation, physicochemical variation, residue mobility, and thermodynamic stability) performed at Invitae indicates that this missense variant is expected to disrupt CLCN1 protein function. This missense change has been observed in individuals with autosomal recessive myotonia congenita (PMID: 31567646, 34790634). This variant has been reported in individual(s) with autosomal dominant myotonia congenita (PMID: 27415035); however, the role of the variant in this condition is currently unclear. This variant is not present in population databases (gnomAD no frequency). This sequence change replaces aspartic acid, which is acidic and polar, with glycine, which is neutral and non-polar, at codon 117 of the CLCN1 protein (p.Asp117Gly).

Juno Genomics, Hangzhou Juno Genomics, Inc
Classification: Likely pathogenic for Congenital myotonia, autosomal dominant form; Congenital myotonia, autosomal recessive form. Review status: criteria provided, single submitter. Criteria: ACMG Guidelines, 2015. Collection method: clinical testing. Allele origin: germline.
Comment: Absent from controls (or at extremely low frequency if recessive) in Genome Aggregation Database.;Multiple lines of computational evidence support a deleterious effect on the gene or gene product.;For recessive disorders, detected in trans with a pathogenic variant.;Patient's phenotype or family history is highly specific for a disease with a single genetic etiology.

Literature cited by the submitters: PubMed 31567646 (cited by Labcorp Genetics (formerly Invitae), Labcorp); PubMed 34790634 (cited by Labcorp Genetics (formerly Invitae), Labcorp); PubMed 27415035 (cited by Labcorp Genetics (formerly Invitae), Labcorp).